The following is an entry in ClinVar:

ClinVar aggregate classification (germline): Uncertain significance (1 of 4 stars; one submission).

Conditions:
Gastrointestinal stromal tumor. Also called: Gastrointestinal stromal tumor, somatic; Gastrointestinal stroma tumor. Identifiers: Orphanet 44890, MedGen C0238198, MeSH D046152, MONDO:0011719, OMIM 606764, HP:0100723.
Pheochromocytoma/paraganglioma syndrome 3. Also called: GLOMUS TUMORS, FAMILIAL, 3; Paragangliomas 3; SDHC-Related Hereditary Paraganglioma-Pheochromocytoma Syndrome (Paragangliomas 3); SDHC-Related Hereditary Paraganglioma-Pheochromocytoma Syndrome. Identifiers: Orphanet 29072, MedGen C1854336, MONDO:0011544, OMIM 605373.

Submission:

Labcorp Genetics (formerly Invitae), Labcorp
Classification: Uncertain significance for Pheochromocytoma/paraganglioma syndrome 3; Gastrointestinal stromal tumor. Last evaluated: 2024-11-21. Review status: criteria provided, single submitter. Criteria: Invitae Variant Classification Sherloc (09022015). Collection method: clinical testing. Allele origin: germline.
Comment: This sequence change replaces phenylalanine, which is neutral and non-polar, with lysine, which is basic and polar, at codon 85 of the SDHC protein (p.Phe85Lys). Information on the frequency of this variant in the gnomAD database is not available, as this variant may be reported differently in the database. This variant has not been reported in the literature in individuals affected with SDHC-related conditions. Experimental studies and prediction algorithms are not available or were not evaluated, and the functional significance of this variant is currently unknown. In summary, the available evidence is currently insufficient to determine the role of this variant in disease. Therefore, it has been classified as a Variant of Uncertain Significance.

NM_003001.5(SDHC):c.252_255inv (p.Phe85Lys)

Gene: SDHC (succinate dehydrogenase complex subunit C; plus strand). Cytogenetic location: 1q23.3.
Variant type: Inversion.
Coding change: c.252_255inv on transcript NM_003001.5 (MANE Select).
Protein change: p.Phe85Lys; replaces phenylalanine 85 with lysine.
Molecular consequence: missense variant. On other transcripts: non-coding transcript variant (1), intron variant (3).
Genome position: GRCh38 VCF-style: chr1-161356687-TTTT-AAAA. GRCh37 (hg19) VCF-style: chr1-161326477-TTTT-AAAA.
Other names: c.150_153inv, p.Phe51Lys (NM_001035512.3); c.93_96inv, p.Phe32Lys (NM_001035513.3); c.372_375inv, p.Phe125Lys (NM_001407115.1); c.195_198inv, p.Phe66Lys (NM_001407116.1); c.189_192inv, p.Phe64Lys (NM_001407117.1); c.144_147inv, p.Phe49Lys (NM_001407118.1); c.141_144inv, p.Phe48Lys (NM_001407119.1, NM_001407120.1); c.242-5642_242-5639inv (NM_001035511.3); and 2 more; short protein forms F125K, F32K, F48K, F49K, F51K, F64K, F66K, F85K.
Identifiers: ClinVar variation 3749117 (VCV003749117.2).